The following is an entry in ClinVar:

ClinVar aggregate classification (germline): Uncertain significance. Review status: criteria provided, multiple submitters, no conflicts (2 of 4 stars). 2 submissions from 2 submitters: Uncertain significance (2). Last evaluated 2025-12-11.

Conditions:
Inborn genetic diseases. Identifiers: MedGen C0950123, MeSH D030342.

gnomAD v4.1: 3 of 1,613,594 alleles (0.00019%); highest among the groups gnomAD compares: East Asian, 0.0045%; no homozygotes.

Submissions (2):

Ambry Genetics
Classification: Uncertain significance for Inborn genetic diseases. Last evaluated: 2025-12-11. Review status: criteria provided, single submitter. Criteria: Ambry Variant Classification Scheme 2023. Collection method: clinical testing. Allele origin: germline.

Labcorp Genetics (formerly Invitae), Labcorp
Classification: Uncertain significance. Last evaluated: 2022-06-20. Review status: criteria provided, single submitter. Criteria: Invitae Variant Classification Sherloc (09022015). Collection method: clinical testing. Allele origin: germline.
Comment: This sequence change replaces histidine, which is basic and polar, with aspartic acid, which is acidic and polar, at codon 63 of the DTNBP1 protein (p.His63Asp). This variant is not present in population databases (gnomAD no frequency). This variant has not been reported in the literature in individuals affected with DTNBP1-related conditions. ClinVar contains an entry for this variant (Variation ID: 1058769). Algorithms developed to predict the effect of missense changes on protein structure and function are either unavailable or do not agree on the potential impact of this missense change (SIFT: "Deleterious"; PolyPhen-2: "Probably Damaging"; Align-GVGD: "Class C0"). In summary, the available evidence is currently insufficient to determine the role of this variant in disease. Therefore, it has been classified as a Variant of Uncertain Significance.

NM_032122.5(DTNBP1):c.187C>G (p.His63Asp)

Gene: DTNBP1 (dystrobrevin binding protein 1; minus strand). Cytogenetic location: 6p22.3.
Variant type: single nucleotide variant.
Coding change: c.187C>G on transcript NM_032122.5 (MANE Select); coding-DNA position 187, C replaced by G.
Protein change: p.His63Asp; replaces histidine 63 with aspartic acid.
Molecular consequence: missense variant. On other transcripts: 5 prime UTR variant (1), non-coding transcript variant (1).
Genome position (GRCh38, 1-based): chr6:15,637,779, G>C on the plus strand (C>G on the coding strand, the complement: DTNBP1 is on the minus strand). VCF-style: chr6-15637779-G-C. GRCh37 (hg19) VCF-style: chr6-15638010-G-C.
Other names: c.187C>G (NM_032122.4); c.-57C>G (NM_001271667.2); c.136C>G, p.His46Asp (NM_001271668.2); c.82C>G, p.His28Asp (NM_001271669.2); c.187C>G, p.His63Asp (NM_183040.2); short protein forms H28D, H46D, H63D.
Identifiers: ClinVar variation 1058769 (VCV001058769.7), dbSNP rs2113769078, ClinGen allele CA362869592.